The following is an entry in ClinVar:

ClinVar aggregate classification (germline): Uncertain significance (1 of 4 stars; one submission).

Conditions:
Cardiovascular phenotype. Identifiers: MedGen CN230736.

Submission:

Ambry Genetics
Classification: Uncertain significance for Cardiovascular phenotype. Last evaluated: 2024-04-12. Review status: criteria provided, single submitter. Criteria: Ambry Variant Classification Scheme 2023. Collection method: clinical testing. Allele origin: germline.
Comment: The p.P81A variant (also known as c.241C>G), located in coding exon 2 of the MYH7 gene, results from a C to G substitution at nucleotide position 241. The proline at codon 81 is replaced by alanine, an amino acid with highly similar properties. This amino acid position is highly conserved in available vertebrate species. In addition, this alteration is predicted to be deleterious by in silico analysis. Based on the available evidence, the clinical significance of this variant remains unclear.

NM_000257.4(MYH7):c.241C>G (p.Pro81Ala)

Gene: MYH7 (myosin heavy chain 7; minus strand). Cytogenetic location: 14q11.2.
Variant type: single nucleotide variant.
Coding change: c.241C>G on transcript NM_000257.4 (MANE Select); coding-DNA position 241, C replaced by G.
Protein change: p.Pro81Ala; replaces proline 81 with alanine.
Molecular consequence: missense variant.
Genome position (GRCh38, 1-based): chr14:23,433,188, G>C on the plus strand (C>G on the coding strand, the complement: MYH7 is on the minus strand). VCF-style: chr14-23433188-G-C. GRCh37 (hg19) VCF-style: chr14-23902397-G-C.
Other names: c.241C>G, p.Pro81Ala (NM_001407004.1); short protein forms P81A.
Identifiers: ClinVar variation 3297519 (VCV003297519.1).